The following is an entry in ClinVar:

NM_006521.6(TFE3):c.556C>A (p.Pro186Thr)

Gene: TFE3 (transcription factor binding to IGHM enhancer 3; minus strand). Cytogenetic location: Xp11.23.
Variant type: single nucleotide variant.
Coding change: c.556C>A on transcript NM_006521.6 (MANE Select); coding-DNA position 556, C replaced by A.
Protein change: p.Pro186Thr; replaces proline 186 with threonine.
Molecular consequence: missense variant.
Genome position (GRCh38, 1-based): chrX:49,038,421, G>T on the plus strand (C>A on the coding strand, the complement: TFE3 is on the minus strand). VCF-style: chrX-49038421-G-T. GRCh37 (hg19) VCF-style: chrX-48895946-G-T.
Other names: c.241C>A, p.Pro81Thr (NM_001282142.2); short protein forms P186T, P81T.
Identifiers: ClinVar variation 2505508 (VCV002505508.1), dbSNP rs2520162033, ClinGen allele CA412910978.

ClinVar aggregate classification (germline): Likely pathogenic (1 of 4 stars; one submission).

Conditions:
Intellectual developmental disorder, X-linked, syndromic, with pigmentary mosaicism and coarse facies. Identifiers: MedGen C5561930, MONDO:0859080, OMIM 301066.

Submission:

Institute of Human Genetics, FAU Erlangen, Friedrich-Alexander-Universität Erlangen-Nürnberg
Classification: Likely pathogenic for Intellectual developmental disorder, X-linked, syndromic, with pigmentary mosaicism and coarse facies. Last evaluated: 2023-06-20. Review status: criteria provided, single submitter. Criteria: Hauer et al. (Genet Med. 2018). Collection method: clinical testing. Allele origin: germline. Inheritance: Autosomal dominant inheritance. Affected: yes. Observed: 1 variant allele.
Comment: This variant has been identified by standard clinical testing. de novo Selected ACMG criteria: Likely pathogenic (II):PP3;PM5;PM2;PS2